The following is an entry in ClinVar:

NM_002497.4(NEK2):c.583_589del (p.Glu195fs)

Gene: NEK2 (NIMA related kinase 2; minus strand). Cytogenetic location: 1q32.3.
Variant type: Deletion.
Coding change: c.583_589del on transcript NM_002497.4 (MANE Select); coding-DNA positions 583 to 589, 7 bases deleted (GAGAAAT; older notation c.583_589delGAGAAAT).
Protein change: p.Glu195fs; shifts the reading frame from glutamic acid 195.
Molecular consequence: frameshift variant.
Genome position (GRCh38, 1-based): chr1:211,671,251-211,671,257, ATTTCTC deleted on the plus strand (GAGAAAT on the coding strand, the reverse complement: NEK2 is on the minus strand); deleting any 7 consecutive bases within chr1:211,671,251-211,671,260 gives the same sequence; the c. name uses the placement nearest the transcript's 3' end. VCF-style (leftmost placement, unchanged base first): chr1-211671250-GATTTCTC-G. GRCh37 (hg19) VCF-style: chr1-211844592-GATTTCTC-G.
Other names: c.583_589del, p.Glu195fs (NM_001204182.2, NM_001204183.2); short protein forms E195fs.
Identifiers: ClinVar variation 1978822 (VCV001978822.4), dbSNP rs1160734814, ClinGen allele CA528671909.
Genomic context (GRCh38, chr1:211,671,250, plus strand): 5'-CATCATACTTACATTAATGCACATAACTCATACAGCAAGCAGCCCAATGACCAGATATCT[GATTTCTC>G]ATTGTAGGACATGCGATTCATTTGTTCCTATACAGGGAAAAAGGGTAAGAAAGTGGAAGG-3'

ClinVar aggregate classification (germline): Uncertain significance (1 of 4 stars; one submission).

Submission:

Labcorp Genetics (formerly Invitae), Labcorp
Classification: Uncertain significance. Last evaluated: 2022-10-04. Review status: criteria provided, single submitter. Criteria: Invitae Variant Classification Sherloc (09022015). Collection method: clinical testing. Allele origin: germline.
Comment: This variant has not been reported in the literature in individuals affected with NEK2-related conditions. In summary, the available evidence is currently insufficient to determine the role of this variant in disease. Therefore, it has been classified as a Variant of Uncertain Significance. This variant is present in population databases (no rsID available, gnomAD 0.002%). This sequence change creates a premature translational stop signal (p.Glu195Glnfs*16) in the NEK2 gene. It is expected to result in an absent or disrupted protein product. However, the current clinical and genetic evidence is not sufficient to establish whether loss-of-function variants in NEK2 cause disease.